The following is an entry in ClinVar:

NM_001098511.3(KIF2A):c.1810A>G (p.Ile604Val)

Gene: KIF2A (kinesin family member 2A; plus strand). Cytogenetic location: 5q12.1.
Variant type: single nucleotide variant.
Coding change: c.1810A>G on transcript NM_001098511.3 (MANE Select); coding-DNA position 1810, A replaced by G.
Protein change: p.Ile604Val; replaces isoleucine 604 with valine.
Molecular consequence: missense variant.
Genome position (GRCh38, 1-based): chr5:62,373,736, A>G. VCF-style: chr5-62373736-A-G. GRCh37 (hg19) VCF-style: chr5-61669563-A-G.
Other names: c.1615A>G, p.Ile539Val (NM_001243952.2); c.1639A>G, p.Ile547Val (NM_001243953.2); c.1696A>G, p.Ile566Val (NM_004520.5); short protein forms I566V, I539V, I547V, I604V.
Identifiers: ClinVar variation 4771242 (VCV004771242.1).

ClinVar aggregate classification (germline): Uncertain significance (1 of 4 stars; one submission).

gnomAD v4.1: 7 of 1,613,490 alleles (0.00043%); highest among the groups gnomAD compares: Admixed American, 0.0017%; no homozygotes.

Submission:

Labcorp Genetics (formerly Invitae), Labcorp
Classification: Uncertain significance. Last evaluated: 2025-07-02. Review status: criteria provided, single submitter. Criteria: Invitae Variant Classification Sherloc (09022015). Collection method: clinical testing. Allele origin: germline.
Comment: This sequence change replaces isoleucine, which is neutral and non-polar, with valine, which is neutral and non-polar, at codon 604 of the KIF2A protein (p.Ile604Val). This variant is not present in population databases (gnomAD no frequency). This variant has not been reported in the literature in individuals affected with KIF2A-related conditions. An algorithm developed to predict the effect of missense changes on protein structure and function outputs the following: PolyPhen-2: "Benign". The valine amino acid residue is found in multiple mammalian species, which suggests that this missense change does not adversely affect protein function. In summary, the available evidence is currently insufficient to determine the role of this variant in disease. Therefore, it has been classified as a Variant of Uncertain Significance.